The following is an entry in ClinVar:

NM_021971.4(GMPPB):c.584AGG[1] (p.Glu196del)

Gene: GMPPB (GDP-mannose pyrophosphorylase B; minus strand). Cytogenetic location: 3p21.31.
Variant type: Microsatellite.
Coding change: c.584AGG[1] on transcript NM_021971.4 (MANE Select); one copy of the 3-base unit AGG starting at c.584; the reference has two copies in a row; one copy, 3 bases deleted.
Protein change: p.Glu196del; deletes glutamic acid 196.
Molecular consequence: inframe deletion.
Genome position (GRCh38, 1-based): chr3:49,722,483-49,722,485, CCT deleted on the plus strand (AGG on the coding strand, the reverse complement: GMPPB is on the minus strand); deleting any 3 consecutive bases within chr3:49,722,483-49,722,488 gives the same sequence; the position shown is the placement nearest the transcript's 3' end. VCF-style (leftmost placement, unchanged base first): chr3-49722482-ACCT-A. GRCh37 (hg19) VCF-style: chr3-49759915-ACCT-A.
Other names: c.584AGG[1], p.Glu196del (NM_013334.4); short protein forms E196del.
Identifiers: ClinVar variation 1933245 (VCV001933245.2), dbSNP rs2544754008, ClinGen allele CA2580616464.

ClinVar aggregate classification (germline): Uncertain significance (1 of 4 stars; one submission).

Conditions:
Muscular dystrophy-dystroglycanopathy (congenital with impaired intellectual development), type B, 14. Also called: Muscular dystrophy-dystroglycanopathy (congenital with intellectual disability), type B14; Congenital muscular dystrophy-dystroglycanopathy with mental retardation, type B14; MUSCULAR DYSTROPHY, CONGENITAL, GMPPB-RELATED. Identifiers: MedGen C3809221, MONDO:0014141, OMIM 615351.
Muscular dystrophy-dystroglycanopathy (congenital with brain and eye anomalies), type A14. Also called: Congenital Muscular Dystrophy-Dystroglycanopathy with Brain and Eye Anomalies Type A 14; Congenital muscular dystrophy-dystroglycanopathy with brain and eye anomalies, type A14; Muscular dystrophy-dystroglycanopathy (congenital with brain and eye anomalies), type a, 14; WALKER-WARBURG SYNDROME OR MUSCLE-EYE-BRAIN DISEASE, GMPPB-RELATED. Identifiers: Orphanet 588, MedGen C3809216, MONDO:0014140, OMIM 615350.
Autosomal recessive limb-girdle muscular dystrophy type 2T. Also called: Limb-girdle muscular dystrophy-dystroglycanopathy, type C14; Muscular dystrophy-dystroglycanopathy (limb-girdle), type c, 14; MUSCULAR DYSTROPHY-DYSTROGLYCANOPATHY, LIMB-GIRDLE, GMPPB-RELATED; MUSCULAR DYSTROPHY, LIMB-GIRDLE, TYPE 2T. Identifiers: Orphanet 363623, MedGen C4518000, MONDO:0014142, OMIM 615352.

Submission:

Labcorp Genetics (formerly Invitae), Labcorp
Classification: Uncertain significance for Autosomal recessive limb-girdle muscular dystrophy type 2T; Muscular dystrophy-dystroglycanopathy (congenital with brain and eye anomalies), type A14; Muscular dystrophy-dystroglycanopathy (congenital with impaired intellectual development), type B, 14. Last evaluated: 2022-06-05. Review status: criteria provided, single submitter. Criteria: Invitae Variant Classification Sherloc (09022015). Collection method: clinical testing. Allele origin: germline.
Comment: This variant, c.587_589del, results in the deletion of 1 amino acid(s) of the GMPPB protein (p.Glu196del), but otherwise preserves the integrity of the reading frame. This variant is not present in population databases (gnomAD no frequency). This variant has not been reported in the literature in individuals affected with GMPPB-related conditions. Experimental studies and prediction algorithms are not available or were not evaluated, and the functional significance of this variant is currently unknown. Algorithms developed to predict the effect of sequence changes on RNA splicing suggest that this variant may create or strengthen a splice site. In summary, the available evidence is currently insufficient to determine the role of this variant in disease. Therefore, it has been classified as a Variant of Uncertain Significance.